The following is an entry in ClinVar:

ClinVar aggregate classification (germline): Uncertain significance (1 of 4 stars; one submission).

Conditions:
Myopathy, proximal, and ophthalmoplegia (CMYO6). Also called: MYOPATHY WITH CONGENITAL JOINT CONTRACTURES, OPHTHALMOPLEGIA, AND RIMMED VACUOLES; INCLUSION BODY MYOPATHY 3, AUTOSOMAL DOMINANT; CONGENITAL MYOPATHY 6 WITH OPHTHALMOPLEGIA. Identifiers: Orphanet 363677, Orphanet 79091, MedGen C1854106, MONDO:0011577, OMIM 605637.

Submission:

Labcorp Genetics (formerly Invitae), Labcorp
Classification: Uncertain significance for Myopathy, proximal, and ophthalmoplegia. Last evaluated: 2024-10-22. Review status: criteria provided, single submitter. Criteria: Invitae Variant Classification Sherloc (09022015). Collection method: clinical testing. Allele origin: germline.
Comment: This sequence change replaces leucine, which is neutral and non-polar, with proline, which is neutral and non-polar, at codon 1821 of the MYH2 protein (p.Leu1821Pro). This variant is not present in population databases (gnomAD no frequency). This variant has not been reported in the literature in individuals affected with MYH2-related conditions. ClinVar contains an entry for this variant (Variation ID: 942666). Invitae Evidence Modeling of protein sequence and biophysical properties (such as structural, functional, and spatial information, amino acid conservation, physicochemical variation, residue mobility, and thermodynamic stability) indicates that this missense variant is expected to disrupt MYH2 protein function with a positive predictive value of 80%. In summary, the available evidence is currently insufficient to determine the role of this variant in disease. Therefore, it has been classified as a Variant of Uncertain Significance.

NM_017534.6(MYH2):c.5462T>C (p.Leu1821Pro)

Genes: MYHAS (myosin heavy chain gene cluster antisense RNA; plus strand), MYH2 (myosin heavy chain 2; minus strand). Cytogenetic location: 17p13.1.
Variant type: single nucleotide variant.
Coding change: c.5462T>C on transcript NM_017534.6 (MANE Select); coding-DNA position 5462, T replaced by C.
Protein change: p.Leu1821Pro; replaces leucine 1821 with proline.
Molecular consequence: missense variant.
Genome position (GRCh38, 1-based): chr17:10,523,506, A>G on the plus strand (T>C on the coding strand, the complement: MYH2 is on the minus strand). VCF-style: chr17-10523506-A-G. GRCh37 (hg19) VCF-style: chr17-10426823-A-G.
Other names: c.5462T>C, p.Leu1821Pro (NM_001100112.2); short protein forms L1821P.
Identifiers: ClinVar variation 942666 (VCV000942666.7), dbSNP rs2073310003, ClinGen allele CA398115612.